The following is an entry in ClinVar:

NM_001366385.1(CARD14):c.2030A>G (p.Asp677Gly)

Genes: CARD14 (caspase recruitment domain family member 14; plus strand), SGSH (N-sulfoglucosamine sulfohydrolase; minus strand). Cytogenetic location: 17q25.3.
Variant type: single nucleotide variant.
Coding change: c.2030A>G on transcript NM_001366385.1 (MANE Select); coding-DNA position 2030, A replaced by G.
Protein change: p.Asp677Gly; replaces aspartic acid 677 with glycine.
Molecular consequence: missense variant. On other transcripts: non-coding transcript variant (1).
Genome position (GRCh38, 1-based): chr17:80,202,231, A>G. VCF-style: chr17-80202231-A-G. GRCh37 (hg19) VCF-style: chr17-78176030-A-G.
Other names: c.2030A>G, p.Asp677Gly (NM_001257970.1, NM_024110.4); short protein forms D677G.
Identifiers: ClinVar variation 4783637 (VCV004783637.1).

ClinVar aggregate classification (germline): Uncertain significance (1 of 4 stars; one submission).

Conditions:
Psoriasis 2. Identifiers: MedGen C1864497, MONDO:0011269, OMIM 602723.
Pityriasis rubra pilaris (PRP). Also called: Pityriasis rubra pilaris--familial type. Identifiers: Orphanet 2897, MedGen C0032027, MONDO:0100017, OMIM 173200, MONDO:0008251.

gnomAD v4.1: 1 of 1,613,492 alleles (0.000062%); highest among the groups gnomAD compares: South Asian, 0.0011%; no homozygotes.

Submission:

Labcorp Genetics (formerly Invitae), Labcorp
Classification: Uncertain significance for Pityriasis rubra pilaris; Psoriasis 2. Last evaluated: 2025-03-05. Review status: criteria provided, single submitter. Criteria: Invitae Variant Classification Sherloc (09022015). Collection method: clinical testing. Allele origin: germline.
Comment: This sequence change replaces aspartic acid, which is acidic and polar, with glycine, which is neutral and non-polar, at codon 677 of the CARD14 protein (p.Asp677Gly). This variant is present in population databases (rs547193979, gnomAD 0.003%). This variant has not been reported in the literature in individuals affected with CARD14-related conditions. Invitae Evidence Modeling of protein sequence and biophysical properties (such as structural, functional, and spatial information, amino acid conservation, physicochemical variation, residue mobility, and thermodynamic stability) has been performed for this missense variant. However, the output from this modeling did not meet the statistical confidence thresholds required to predict the impact of this variant on CARD14 protein function. In summary, the available evidence is currently insufficient to determine the role of this variant in disease. Therefore, it has been classified as a Variant of Uncertain Significance.